The following is an entry in ClinVar:

NM_002361.4(MAG):c.325C>A (p.Pro109Thr)

Gene: MAG (myelin associated glycoprotein; plus strand). Cytogenetic location: 19q13.12.
Variant type: single nucleotide variant.
Coding change: c.325C>A on transcript NM_002361.4 (MANE Select); coding-DNA position 325, C replaced by A.
Protein change: p.Pro109Thr; replaces proline 109 with threonine.
Molecular consequence: missense variant.
Genome position (GRCh38, 1-based): chr19:35,295,891, C>A. VCF-style: chr19-35295891-C-A. GRCh37 (hg19) VCF-style: chr19-35786794-C-A.
Other names: c.250C>A, p.Pro84Thr (NM_001199216.2); c.325C>A, p.Pro109Thr (NM_080600.3); c.325C>A (NM_002361.3); short protein forms P109T, P84T.
Identifiers: ClinVar variation 1425709 (VCV001425709.6), dbSNP rs746889149, ClinGen allele CA9375976.

ClinVar aggregate classification (germline): Uncertain significance. Review status: criteria provided, multiple submitters, no conflicts (2 of 4 stars). 2 submissions from 2 submitters: Uncertain significance (2). Last evaluated 2025-08-03.

Conditions:
Hereditary spastic paraplegia 75. Also called: Spastic paraplegia 75, autosomal recessive. Identifiers: Orphanet 459056, MedGen C4225250, MONDO:0014729, OMIM 616680.
Inborn genetic diseases. Identifiers: MedGen C0950123, MeSH D030342.

Allele frequency attached by ClinVar (database versions not stated): gnomAD exomes below 0.00001 and 0.00003; ExAC 0.00004; gnomAD 0.00007 and 0.00009; TOPMed 0.00008.
gnomAD v4.1: 18 of 1,613,992 alleles (0.0011%); highest among the groups gnomAD compares: African/African-American, 0.016%; no homozygotes.

Submissions (2):

Ambry Genetics
Classification: Uncertain significance for Inborn genetic diseases. Last evaluated: 2025-08-03. Review status: criteria provided, single submitter. Criteria: Ambry Variant Classification Scheme 2023. Collection method: clinical testing. Allele origin: germline.

Labcorp Genetics (formerly Invitae), Labcorp
Classification: Uncertain significance for Hereditary spastic paraplegia 75. Last evaluated: 2022-12-09. Review status: criteria provided, single submitter. Criteria: Invitae Variant Classification Sherloc (09022015). Collection method: clinical testing. Allele origin: germline.
Comment: In summary, the available evidence is currently insufficient to determine the role of this variant in disease. Therefore, it has been classified as a Variant of Uncertain Significance. Advanced modeling of protein sequence and biophysical properties (such as structural, functional, and spatial information, amino acid conservation, physicochemical variation, residue mobility, and thermodynamic stability) performed at Invitae indicates that this missense variant is not expected to disrupt MAG protein function. ClinVar contains an entry for this variant (Variation ID: 1425709). This variant has not been reported in the literature in individuals affected with MAG-related conditions. This variant is present in population databases (rs746889149, gnomAD 0.03%). This sequence change replaces proline, which is neutral and non-polar, with threonine, which is neutral and polar, at codon 109 of the MAG protein (p.Pro109Thr).